The following is an entry in ClinVar:

ClinVar aggregate classification (germline): Conflicting classifications of pathogenicity. Review status: criteria provided, conflicting classifications (1 of 4 stars). 4 submissions from 4 submitters: Uncertain significance (3); Likely benign (1). Last evaluated 2025-09-18.

Conditions:
Myofibrillar myopathy 5. Also called: Filaminopathy (type); FILAMINOPATHY, AUTOSOMAL DOMINANT. Identifiers: Orphanet 171445, MedGen C1836050, MONDO:0012289, OMIM 609524.
Hypertrophic cardiomyopathy 26. Also called: Cardiomyopathy, familial hypertrophic, 26. Identifiers: Orphanet 75249, MedGen C4310749, MONDO:0014883, OMIM 617047.
Distal myopathy with posterior leg and anterior hand involvement. Also called: WILLIAMS DISTAL MYOPATHY. Identifiers: Orphanet 63273, MedGen C3279722, MONDO:0013550, OMIM 614065.
Cardiovascular phenotype. Identifiers: MedGen CN230736.

Allele frequency attached by ClinVar (database versions not stated): ExAC 0.00001; gnomAD exomes 0.00001.

Submissions (4):

Ambry Genetics
Classification: Uncertain significance for Cardiovascular phenotype. Last evaluated: 2025-09-18. Review status: criteria provided, single submitter. Criteria: Ambry Variant Classification Scheme 2023. Collection method: clinical testing. Allele origin: germline.
Comment: The p.A1979T variant (also known as c.5935G>A), located in coding exon 36 of the FLNC gene, results from a G to A substitution at nucleotide position 5935. The alanine at codon 1979 is replaced by threonine, an amino acid with similar properties. This variant was reported in individual(s) with features consistent with cardiomyopathy and segregated with disease in at least one family (Janin A et al. Mol Diagn Ther, 2021 May;25:373-385; Qin X et al. Int Heart J, 2021 Jan;62:127-134). This amino acid position is highly conserved in available vertebrate species. In addition, the in silico prediction for this alteration is inconclusive. Based on the available evidence, the clinical significance of this variant remains unclear.

Labcorp Genetics (formerly Invitae), Labcorp
Classification: Likely benign for Distal myopathy with posterior leg and anterior hand involvement; Myofibrillar myopathy 5; Hypertrophic cardiomyopathy 26. Last evaluated: 2024-11-16. Review status: criteria provided, single submitter. Criteria: Invitae Variant Classification Sherloc (09022015). Collection method: clinical testing. Allele origin: germline.

Fulgent Genetics
Classification: Uncertain significance for Myofibrillar myopathy 5; Distal myopathy with posterior leg and anterior hand involvement; Hypertrophic cardiomyopathy 26. Last evaluated: 2021-07-09. Review status: criteria provided, single submitter. Criteria: ACMG Guidelines, 2015. Collection method: clinical testing. Allele origin: unknown.

GeneDx
Classification: Uncertain significance. Last evaluated: 2021-06-18. Review status: criteria provided, single submitter. Criteria: GeneDx Variant Classification Process June 2021. Collection method: clinical testing. Allele origin: germline. Affected: yes.
Comment: Not observed at significant frequency in large population cohorts (Lek et al., 2016); In silico analysis supports that this missense variant has a deleterious effect on protein structure/function; Functional analysis in human cardiomyocytes showed differential protein accumulation but similar protein expression levels compared with wild type (Qin et al., 2021); Reported in ClinVar as a variant of uncertain significance (ClinVar Variant ID# 839809; Landrum et al., 2016); This variant is associated with the following publications: (PMID: 26582918, 33455984, 27535533)

Literature cited by the submitters: PubMed 33455984 (cited by Ambry Genetics); PubMed 33954932 (cited by Ambry Genetics).

NM_001458.5(FLNC):c.5935G>A (p.Ala1979Thr)

Genes: FLNC-AS1 (FLNC antisense RNA 1; minus strand), FLNC (filamin C; plus strand). Cytogenetic location: 7q32.1.
Variant type: single nucleotide variant.
Coding change: c.5935G>A on transcript NM_001458.5 (MANE Select); coding-DNA position 5935, G replaced by A.
Protein change: p.Ala1979Thr; replaces alanine 1979 with threonine.
Molecular consequence: missense variant.
Genome position (GRCh38, 1-based): chr7:128,852,683, G>A. VCF-style: chr7-128852683-G-A. GRCh37 (hg19) VCF-style: chr7-128492737-G-A.
Other names: c.5836G>A, p.Ala1946Thr (NM_001127487.2); short protein forms A1979T, A1946T.
Identifiers: ClinVar variation 839809 (VCV000839809.15), dbSNP rs766127245, ClinGen allele CA4475837.